The following is an entry in ClinVar:

NM_000059.4(BRCA2):c.2401A>G (p.Asn801Asp)

Gene: BRCA2 (BRCA2 DNA repair associated; plus strand). Cytogenetic location: 13q13.1.
Variant type: single nucleotide variant.
Coding change: c.2401A>G on transcript NM_000059.4 (MANE Select); coding-DNA position 2401, A replaced by G.
Protein change: p.Asn801Asp; replaces asparagine 801 with aspartic acid.
Molecular consequence: missense variant.
Genome position (GRCh38, 1-based): chr13:32,336,756, A>G. VCF-style: chr13-32336756-A-G. GRCh37 (hg19) VCF-style: chr13-32910893-A-G.
Other names: short protein forms N801D.
Identifiers: ClinVar variation 422118 (VCV000422118.20), dbSNP rs765279896, ClinGen allele CA6940604.
Genomic context (GRCh38, chr13:32,336,756, plus strand): 5'-AACCTAGTCATGATTTCTAGAGGCAAAGAATCATACAAAATGTCAGACAAGCTCAAAGGT[A>G]ACAATTATGAATCTGATGTTGAATTAACCAAAAATATTCCCATGGAAAAGAATCAAGATG-3'
Protein context (NP_000050.3, residues 791-811): SYKMSDKLKG[Asn801Asp]NYESDVELTK

ClinVar aggregate classification (germline): Conflicting classifications of pathogenicity. Review status: criteria provided, conflicting classifications (1 of 4 stars). 6 submissions from 6 submitters: Uncertain significance (5); Likely benign (1). Last evaluated 2024-03-13.

Conditions:
Hereditary cancer-predisposing syndrome. Also called: Hereditary neoplastic syndrome; Hereditary Cancer Syndrome; Neoplastic Syndromes, Hereditary; Tumor predisposition. Identifiers: Orphanet 140162, MedGen C0027672, MeSH D009386, MONDO:0015356.
Breast-ovarian cancer, familial, susceptibility to, 2 (BROVCA2). Also called: BRCA2 Hereditary Breast and Ovarian Cancer. Identifiers: Orphanet 145, MedGen C2675520, MONDO:0012933, OMIM 612555. Disease mechanism: loss of function.
Hereditary breast ovarian cancer syndrome. Also called: Hereditary breast and ovarian cancer syndrome; BRCA1- and BRCA2-Associated Hereditary Breast and Ovarian Cancer; Hereditary breast and/or ovarian cancer syndrome; Hereditary breast and ovarian cancer; Breast and ovarian cancer; Hereditary breast and ovarian cancer syndrome (HBOC). Identifiers: Orphanet 145, MedGen C0677776, MeSH D061325, MONDO:0003582. Disease mechanism: loss of function.

Allele frequency attached by ClinVar (database versions not stated): gnomAD exomes below 0.00001 and 0.00001; TOPMed below 0.00001; ExAC 0.00002; gnomAD 0.00001.
gnomAD v4.1: 3 of 1,613,088 alleles (0.00019%); highest among the groups gnomAD compares: Admixed American, 0.0017%; no homozygotes.

Submissions (6):

Ambry Genetics
Classification: Uncertain significance for Hereditary cancer-predisposing syndrome. Last evaluated: 2024-03-13. Review status: criteria provided, single submitter. Criteria: Ambry Variant Classification Scheme 2023. Collection method: clinical testing. Allele origin: germline.
Comment: The p.N801D variant (also known as c.2401A>G), located in coding exon 10 of the BRCA2 gene, results from an A to G substitution at nucleotide position 2401. The asparagine at codon 801 is replaced by aspartic acid, an amino acid with highly similar properties. This amino acid position is poorly conserved in available vertebrate species. In addition, this alteration is predicted to be tolerated by in silico analysis. Since supporting evidence is limited at this time, the clinical significance of this alteration remains unclear.

Labcorp Genetics (formerly Invitae), Labcorp
Classification: Uncertain significance for Hereditary breast ovarian cancer syndrome. Last evaluated: 2023-12-26. Review status: criteria provided, single submitter. Criteria: Invitae Variant Classification Sherloc (09022015). Collection method: clinical testing. Allele origin: germline.
Comment: This sequence change replaces asparagine, which is neutral and polar, with aspartic acid, which is acidic and polar, at codon 801 of the BRCA2 protein (p.Asn801Asp). This variant is present in population databases (rs765279896, gnomAD 0.002%). This variant has not been reported in the literature in individuals affected with BRCA2-related conditions. ClinVar contains an entry for this variant (Variation ID: 422118). Advanced modeling of protein sequence and biophysical properties (such as structural, functional, and spatial information, amino acid conservation, physicochemical variation, residue mobility, and thermodynamic stability) performed at Invitae indicates that this missense variant is not expected to disrupt BRCA2 protein function with a negative predictive value of 95%. In summary, the available evidence is currently insufficient to determine the role of this variant in disease. Therefore, it has been classified as a Variant of Uncertain Significance.

University of Washington Department of Laboratory Medicine, University of Washington
Classification: Likely benign for Hereditary cancer-predisposing syndrome. Last evaluated: 2023-03-23. Review status: criteria provided, single submitter. Criteria: Dines et al. (Genet Med. 2020). Collection method: curation. Allele origin: germline.
Comment: Missense variant in a coldspot region where missense variants are very unlikely to be pathogenic (PMID:31911673).

BRCA2 exon 11 coldspot. Reclassification based on statistical prior probability.

Mendelics
Classification: Uncertain significance for Breast-ovarian cancer, familial, susceptibility to, 2. Last evaluated: 2019-05-28. Review status: criteria provided, single submitter. Criteria: Mendelics Assertion Criteria 2017. Collection method: clinical testing. Allele origin: unknown.

Color Diagnostics, LLC DBA Color Health
Classification: Uncertain significance for Hereditary cancer-predisposing syndrome. Last evaluated: 2019-04-03. Review status: criteria provided, single submitter. Criteria: ACMG Guidelines, 2015. Collection method: clinical testing. Allele origin: germline.

GeneDx
Classification: Uncertain significance. Last evaluated: 2016-08-29. Review status: criteria provided, single submitter. Criteria: GeneDx Variant Classification (06012015). Collection method: clinical testing. Allele origin: germline. Affected: yes.
Comment: This variant is denoted BRCA2 c.2401A>G at the cDNA level, p.Asn801Asp (N801D) at the protein level, and results in the change of an Asparagine to an Aspartic Acid (AAC>GAC). Using alternate nomenclature, this variant would be defined as BRCA2 2629A>G. This variant has not, to our knowledge, been published in the literature as pathogenic or benign. BRCA2 Asn801Asp was not observed in approximately 6,500 individuals of European and African American ancestry in the NHLBI Exome Sequencing Project, suggesting it is not a common benign variant in these populations. Since Asparagine and Aspartic Acid differ in some properties, this is considered a semi-conservative amino acid substitution. BRCA2 Asn801Asp occurs at a position that is not conserved and is not located in a known functional domain. In silico analyses are inconsistent regarding the effect this variant may have on protein structure and function. Based on currently available evidence, it is unclear whether BRCA2 Asn801Asp is a pathogenic or benign variant. We consider it to be a variant of uncertain significance.